The following is an entry in ClinVar:

ClinVar aggregate classification (germline): Likely pathogenic. Review status: criteria provided, multiple submitters, no conflicts (2 of 4 stars). 3 submissions from 3 submitters: Likely pathogenic (2). 1 of the submissions does not count toward it. Last evaluated 2023-07-11.

Conditions:
Autosomal recessive osteopetrosis 1. Also called: TCIRG1-Related Autosomal Recessive Osteopetrosis; TCIRG1-Related Osteopetrosis; ALBERS-SCHONBERG DISEASE, AUTOSOMAL RECESSIVE. Identifiers: Orphanet 667, MedGen C1850127, MONDO:0009815, OMIM 259700.

gnomAD v4.1: 1 of 1,605,844 alleles (0.000062%); highest among the groups gnomAD compares: Non-Finnish European, 0.000085%; no homozygotes.

Submissions (3):

Baylor Genetics
Classification: Likely pathogenic for Autosomal recessive osteopetrosis 1. Last evaluated: 2023-07-11. Review status: criteria provided, single submitter. Criteria: ACMG Guidelines, 2015. Collection method: clinical testing. Allele origin: unknown.

Labcorp Genetics (formerly Invitae), Labcorp
Classification: Likely pathogenic. Last evaluated: 2018-11-11. Review status: criteria provided, single submitter. Criteria: Invitae Variant Classification Sherloc (09022015). Collection method: clinical testing. Allele origin: germline.
Comment: In summary, the currently available evidence indicates that the variant is pathogenic, but additional data are needed to prove that conclusively. Therefore, this variant has been classified as Likely Pathogenic. Donor and acceptor splice site variants typically lead to a loss of protein function (PMID: 16199547), and loss-of-function variants in TCIRG1 are known to be pathogenic (PMID: 10888887, 10942435, 11532986, 19448635). Algorithms developed to predict the effect of sequence changes on RNA splicing suggest that this variant may disrupt the consensus splice site, but this prediction has not been confirmed by published transcriptional studies. This variant has not been reported in the literature in individuals with TCIRG1-related disease. ClinVar contains an entry for this variant (Variation ID: 558282). This variant is not present in population databases (ExAC no frequency). This sequence change affects a donor splice site in intron 15 of the TCIRG1 gene. It is expected to disrupt RNA splicing and likely results in an absent or disrupted protein product.

Counsyl
Classification: Likely pathogenic for Autosomal recessive osteopetrosis 1. Last evaluated: 2018-05-11. Review status: no assertion criteria provided. Collection method: clinical testing. Allele origin: unknown. Not counted in ClinVar's aggregate classification.

Literature cited by the submitters: PubMed 16199547 (cited by Labcorp Genetics (formerly Invitae), Labcorp); PubMed 10888887 (cited by Labcorp Genetics (formerly Invitae), Labcorp); PubMed 10942435 (cited by Labcorp Genetics (formerly Invitae), Labcorp); PubMed 11532986 (cited by Labcorp Genetics (formerly Invitae), Labcorp); PubMed 19448635 (cited by Labcorp Genetics (formerly Invitae), Labcorp).

NM_006019.4(TCIRG1):c.1887+1G>C

Gene: TCIRG1 (T cell immune regulator 1, ATPase H+ transporting V0 subunit a3; plus strand). Cytogenetic location: 11q13.2.
Variant type: single nucleotide variant.
Coding change: c.1887+1G>C on transcript NM_006019.4 (MANE Select); the canonical splice donor site of the intron after coding-DNA position 1887, G replaced by C.
Molecular consequence: splice donor variant.
Genome position (GRCh38, 1-based): chr11:68,049,295, G>C. VCF-style: chr11-68049295-G-C. GRCh37 (hg19) VCF-style: chr11-67816762-G-C.
Other names: c.993+1G>C (NM_001351059.2); c.1239+1G>C (NM_006053.4).
Identifiers: ClinVar variation 558282 (VCV000558282.10), dbSNP rs1554999205, ClinGen allele CA381587583.